The following is an entry in ClinVar:

NM_000370.3(TTPA):c.58dup (p.His20fs)

Gene: TTPA (alpha tocopherol transfer protein; minus strand). Cytogenetic location: 8q12.3.
Variant type: Duplication.
Coding change: c.58dup on transcript NM_000370.3 (MANE Select); coding-DNA position 58, one base duplicated (C; older notation c.58dupC).
Protein change: p.His20fs; shifts the reading frame from histidine 20.
Molecular consequence: frameshift variant.
Genome position (GRCh38, 1-based): chr8:63,085,964, G duplicated on the plus strand (C on the coding strand, the reverse complement: TTPA is on the minus strand); the first of 2 consecutive G bases (chr8:63,085,964-63,085,965); duplicating either gives the same sequence. VCF-style (leftmost placement, unchanged base first): chr8-63085963-T-TG. GRCh37 (hg19) VCF-style: chr8-63998522-T-TG.
Other names: c.57dup, p.His20Profs (NM_001413414.1, NM_001413415.1, NM_001413416.1 and 2 more transcripts); short protein forms H20fs.
Identifiers: ClinVar variation 2002112 (VCV002002112.4), dbSNP rs2487201425, ClinGen allele CA2580078879.

ClinVar aggregate classification (germline): Pathogenic (1 of 4 stars; one submission).

Submission:

Labcorp Genetics (formerly Invitae), Labcorp
Classification: Pathogenic. Last evaluated: 2022-06-02. Review status: criteria provided, single submitter. Criteria: Invitae Variant Classification Sherloc (09022015). Collection method: clinical testing. Allele origin: germline.
Comment: For these reasons, this variant has been classified as Pathogenic. This variant has not been reported in the literature in individuals affected with TTPA-related conditions. This variant is not present in population databases (gnomAD no frequency). This sequence change creates a premature translational stop signal (p.His20Profs*56) in the TTPA gene. It is expected to result in an absent or disrupted protein product. Loss-of-function variants in TTPA are known to be pathogenic (PMID: 9463307, 26068213).

Literature cited by the submitters: PubMed 9463307; PubMed 26068213.